The following is an entry in ClinVar:

NM_001365276.2(TNXB):c.10327C>G (p.Pro3443Ala)

Gene: TNXB (tenascin XB; minus strand). Cytogenetic location: 6p21.33.
Variant type: single nucleotide variant.
Coding change: c.10327C>G on transcript NM_001365276.2 (MANE Select); coding-DNA position 10327, C replaced by G.
Protein change: p.Pro3443Ala; replaces proline 3443 with alanine.
Molecular consequence: missense variant.
Genome position (GRCh38, 1-based): chr6:32,046,454, G>C on the plus strand (C>G on the coding strand, the complement: TNXB is on the minus strand). VCF-style: chr6-32046454-G-C. GRCh37 (hg19) VCF-style: chr6-32014231-G-C.
Other names: c.10321C>G, p.Pro3441Ala (NM_019105.8); short protein forms P3441A, P3443A.
Identifiers: ClinVar variation 1771402 (VCV001771402.2), dbSNP rs181032487, ClinGen allele CA363529494.

ClinVar aggregate classification (germline): Uncertain significance (1 of 4 stars; one submission).

Conditions:
Cardiovascular phenotype. Identifiers: MedGen CN230736.

Submission:

Ambry Genetics
Classification: Uncertain significance for Cardiovascular phenotype. Last evaluated: 2021-10-07. Review status: criteria provided, single submitter. Criteria: Ambry Variant Classification Scheme 2023. Collection method: clinical testing. Allele origin: germline.
Comment: The p.P3441A variant (also known as c.10321C>G), located in coding exon 30 of the TNXB gene, results from a C to G substitution at nucleotide position 10321. The proline at codon 3441 is replaced by alanine, an amino acid with highly similar properties. This amino acid position is conserved. In addition, this alteration is predicted to be tolerated by in silico analysis. Since supporting evidence is limited at this time, the clinical significance of this alteration remains unclear.